The following is an entry in ClinVar:

ClinVar aggregate classification (germline): Pathogenic (1 of 4 stars; one submission).

Conditions:
Macular corneal dystrophy (MCD). Also called: Macular corneal dystrophy Type I; GROENOUW TYPE II CORNEAL DYSTROPHY. Identifiers: Orphanet 98969, MedGen C1636149, MONDO:0009020, OMIM 217800.

Submission:

Women's Health and Genetics/Laboratory Corporation of America, LabCorp
Classification: Pathogenic for Macular corneal dystrophy. Last evaluated: 2024-10-15. Review status: criteria provided, single submitter. Criteria: LabCorp Variant Classification Summary - May 2015. Collection method: clinical testing. Allele origin: germline.
Comment: Variant summary: CHST6 c.894dupG (p.Leu299AlafsX7) results in a premature termination codon, predicted to cause a truncation of the encoded protein, however, nonsense mediated decay is not expected to occur. The variant was absent in 250242 control chromosomes. c.894dupG has been reported in the literature in multiple homozygous individuals affected with Macular Corneal Dystrophy (e.g. YaylaciogluTuncay_2016). These data indicate that the variant is very likely to be associated with disease. To our knowledge, no experimental evidence demonstrating an impact on protein function has been reported. The following publication has been ascertained in the context of this evaluation (PMID: 27829782). No submitters have cited clinical-significance assessments for this variant to ClinVar. Based on the evidence outlined above, the variant was classified as pathogenic.

Literature cited by the submitters: PubMed 27829782.

NM_021615.5(CHST6):c.894dup (p.Leu299fs)

Gene: CHST6 (carbohydrate sulfotransferase 6; minus strand). Cytogenetic location: 16q23.1.
Variant type: Duplication.
Coding change: c.894dup on transcript NM_021615.5 (MANE Select); coding-DNA position 894, one base duplicated (G; older notation c.894dupG).
Protein change: p.Leu299fs; shifts the reading frame from leucine 299.
Molecular consequence: frameshift variant.
Genome position (GRCh38, 1-based): chr16:75,478,935, C duplicated on the plus strand (G on the coding strand, the reverse complement: CHST6 is on the minus strand). VCF-style (leftmost placement, unchanged base first): chr16-75478934-G-GC. GRCh37 (hg19) VCF-style: chr16-75512832-G-GC.
Other names: c.894dupG (NM_021615.5); short protein forms L299fs.
Identifiers: ClinVar variation 3385288 (VCV003385288.1).